The following is an entry in ClinVar:

ClinVar aggregate classification (germline): Uncertain significance. Review status: criteria provided, single submitter (1 of 4 stars). 2 submissions from 2 submitters: Uncertain significance (1). 1 of the submissions does not count toward it. Last evaluated 2022-03-19.

Conditions:
Developmental and epileptic encephalopathy, 30 (DEE30). Also called: Epileptic encephalopathy, early infantile, 30. Identifiers: MedGen C4225360, MONDO:0014595, OMIM 616341.
Seizure. Also called: Seizures. Identifiers: MedGen C0036572, HP:0001250.

Submissions (2):

Labcorp Genetics (formerly Invitae), Labcorp
Classification: Uncertain significance for Developmental and epileptic encephalopathy, 30. Last evaluated: 2022-03-19. Review status: criteria provided, single submitter. Criteria: Invitae Variant Classification Sherloc (09022015). Collection method: clinical testing. Allele origin: germline.
Comment: This sequence change replaces histidine, which is basic and polar, with tyrosine, which is neutral and polar, at codon 731 of the SIK1 protein (p.His731Tyr). This variant is not present in population databases (gnomAD no frequency). This variant has not been reported in the literature in individuals affected with SIK1-related conditions. ClinVar contains an entry for this variant (Variation ID: 812541). Advanced modeling of protein sequence and biophysical properties (such as structural, functional, and spatial information, amino acid conservation, physicochemical variation, residue mobility, and thermodynamic stability) performed at Invitae indicates that this missense variant is not expected to disrupt SIK1 protein function. In summary, the available evidence is currently insufficient to determine the role of this variant in disease. Therefore, it has been classified as a Variant of Uncertain Significance.

Cytogénomique, Hospices Civils de Lyon
Classification: Likely benign for Seizure. Last evaluated: 2020-01-27. Review status: no assertion criteria provided. Collection method: clinical testing. Allele origin: maternal. Affected: yes. Observed: 1 variant allele, 1 heterozygote. Not counted in ClinVar's aggregate classification.

NM_173354.5(SIK1):c.2191C>T (p.His731Tyr)

Gene: SIK1 (salt inducible kinase 1; minus strand). Cytogenetic location: 21q22.3.
Variant type: single nucleotide variant.
Coding change: c.2191C>T on transcript NM_173354.5 (MANE Select); coding-DNA position 2191, C replaced by T.
Protein change: p.His731Tyr; replaces histidine 731 with tyrosine.
Molecular consequence: missense variant.
Genome position (GRCh38, 1-based): chr21:43,416,903, G>A on the plus strand (C>T on the coding strand, the complement: SIK1 is on the minus strand). VCF-style: chr21-43416903-G-A. GRCh37 (hg19) VCF-style: chr21-44836783-G-A.
Other names: short protein forms H731Y.
Identifiers: ClinVar variation 812541 (VCV000812541.10), dbSNP rs1555890879, ClinGen allele CA410606480.